The following is an entry in ClinVar:

NM_000057.4(BLM):c.1400A>G (p.Asp467Gly)

Gene: BLM (BLM RecQ like helicase; plus strand). Cytogenetic location: 15q26.1.
Variant type: single nucleotide variant.
Coding change: c.1400A>G on transcript NM_000057.4 (MANE Select); coding-DNA position 1400, A replaced by G.
Protein change: p.Asp467Gly; replaces aspartic acid 467 with glycine.
Molecular consequence: missense variant.
Genome position (GRCh38, 1-based): chr15:90,760,773, A>G. VCF-style: chr15-90760773-A-G. GRCh37 (hg19) VCF-style: chr15-91304003-A-G.
Other names: c.1400A>G, p.Asp467Gly (NM_001287246.2, NM_001287247.2); c.275A>G, p.Asp92Gly (NM_001287248.2); short protein forms D467G, D92G.
Identifiers: ClinVar variation 3720441 (VCV003720441.2).

ClinVar aggregate classification (germline): Uncertain significance (1 of 4 stars; one submission).

Conditions:
Bloom syndrome (BLM). Also called: Bloom-Torre-Machacek syndrome. Identifiers: Orphanet 125, MedGen C0005859, MONDO:0008876, OMIM 210900.

Submission:

Labcorp Genetics (formerly Invitae), Labcorp
Classification: Uncertain significance for Bloom syndrome. Last evaluated: 2025-01-21. Review status: criteria provided, single submitter. Criteria: Invitae Variant Classification Sherloc (09022015). Collection method: clinical testing. Allele origin: germline.
Comment: This sequence change replaces aspartic acid, which is acidic and polar, with glycine, which is neutral and non-polar, at codon 467 of the BLM protein (p.Asp467Gly). This variant is not present in population databases (gnomAD no frequency). This variant has not been reported in the literature in individuals affected with BLM-related conditions. Invitae Evidence Modeling of protein sequence and biophysical properties (such as structural, functional, and spatial information, amino acid conservation, physicochemical variation, residue mobility, and thermodynamic stability) indicates that this missense variant is not expected to disrupt BLM protein function with a negative predictive value of 80%. In summary, the available evidence is currently insufficient to determine the role of this variant in disease. Therefore, it has been classified as a Variant of Uncertain Significance.